The following is an entry in ClinVar:

ClinVar aggregate classification (germline): Uncertain significance (1 of 4 stars; one submission).

Conditions:
Neuropathy, hereditary sensory and autonomic, type 2A (HSAN2A). Also called: ACROOSTEOLYSIS, GIACCAI TYPE; HSAN IIA; MORVAN DISEASE; NEUROPATHY, CONGENITAL SENSORY; NEUROPATHY, HEREDITARY SENSORY RADICULAR, AUTOSOMAL RECESSIVE; NEUROPATHY, HEREDITARY SENSORY, TYPE IIA. Identifiers: Orphanet 970, MedGen C2752089, MONDO:0024309, OMIM 201300.
Generalized epilepsy with febrile seizures plus, type 7 (GEFSP7). Also called: GEFS+, TYPE 7. Identifiers: Orphanet 36387, MedGen C2751778, MONDO:0013470, OMIM 613863.

Allele frequency attached by ClinVar (database versions not stated): gnomAD exomes below 0.00001.
gnomAD v4.1: 1 of 1,614,020 alleles (0.000062%); highest among the groups gnomAD compares: Middle Eastern, 0.017%; no homozygotes.

Submission:

Labcorp Genetics (formerly Invitae), Labcorp
Classification: Uncertain significance for Neuropathy, hereditary sensory and autonomic, type 2A; Generalized epilepsy with febrile seizures plus, type 7. Last evaluated: 2023-11-10. Review status: criteria provided, single submitter. Criteria: Invitae Variant Classification Sherloc (09022015). Collection method: clinical testing. Allele origin: germline.
Comment: This sequence change replaces arginine, which is basic and polar, with glycine, which is neutral and non-polar, at codon 1890 of the SCN9A protein (p.Arg1890Gly). This variant is not present in population databases (gnomAD no frequency). This variant has not been reported in the literature in individuals affected with SCN9A-related conditions. Advanced modeling of protein sequence and biophysical properties (such as structural, functional, and spatial information, amino acid conservation, physicochemical variation, residue mobility, and thermodynamic stability) performed at Invitae indicates that this missense variant is not expected to disrupt SCN9A protein function with a negative predictive value of 80%. In summary, the available evidence is currently insufficient to determine the role of this variant in disease. Therefore, it has been classified as a Variant of Uncertain Significance.

NM_001365536.1(SCN9A):c.5701A>G (p.Arg1901Gly)

Genes: SCN1A-AS1 (SCN1A and SCN9A antisense RNA 1; plus strand), SCN9A (sodium voltage-gated channel alpha subunit 9; minus strand). Cytogenetic location: 2q24.3.
Variant type: single nucleotide variant.
Coding change: c.5701A>G on transcript NM_001365536.1 (MANE Select); coding-DNA position 5701, A replaced by G.
Protein change: p.Arg1901Gly; replaces arginine 1901 with glycine.
Molecular consequence: missense variant.
Genome position (GRCh38, 1-based): chr2:166,198,938, T>C on the plus strand (A>G on the coding strand, the complement: SCN9A is on the minus strand). VCF-style: chr2-166198938-T-C. GRCh37 (hg19) VCF-style: chr2-167055448-T-C.
Other names: c.5668A>G, p.Arg1890Gly (NM_002977.4); short protein forms R1890G, R1901G.
Identifiers: ClinVar variation 2921569 (VCV002921569.3), dbSNP rs1553472836, ClinGen allele CA349051691.